The following is an entry in ClinVar:

ClinVar aggregate classification (germline): Uncertain significance. Review status: criteria provided, multiple submitters, no conflicts (2 of 4 stars). 2 submissions from 2 submitters: Uncertain significance (2). Last evaluated 2025-05-27.

Conditions:
COL11A2-related disorder. Also called: COL11A2-related condition; COL11A2-related disorders.

Submissions (2):

GeneDx
Classification: Uncertain significance. Last evaluated: 2025-05-27. Review status: criteria provided, single submitter. Criteria: GeneDx Variant Classification Process June 2021. Collection method: clinical testing. Allele origin: germline. Affected: yes.
Comment: Not observed at significant frequency in large population cohorts (gnomAD); In silico analysis supports that this missense variant has a deleterious effect on protein structure/function; Has not been previously published as pathogenic or benign to our knowledge

PreventionGenetics, part of Exact Sciences
Classification: Uncertain significance for COL11A2-related condition. Last evaluated: 2025-02-04. Review status: criteria provided, single submitter. Criteria: ACMG Guidelines, 2015. Collection method: clinical testing. Allele origin: germline.
Comment: The COL11A2 c.1232G>T variant is predicted to result in the amino acid substitution p.Gly411Val. To our knowledge, this variant has not been reported in the literature or in a large population database (gnomAD), indicating this variant is rare. At this time, the clinical significance of this variant is uncertain due to the absence of conclusive functional and genetic evidence.

NM_080680.3(COL11A2):c.1232G>T (p.Gly411Val)

Gene: COL11A2 (collagen type XI alpha 2 chain; minus strand). Cytogenetic location: 6p21.32.
Variant type: single nucleotide variant.
Coding change: c.1232G>T on transcript NM_080680.3 (MANE Select); coding-DNA position 1232, G replaced by T.
Protein change: p.Gly411Val; replaces glycine 411 with valine.
Molecular consequence: missense variant.
Genome position (GRCh38, 1-based): chr6:33,180,720, C>A on the plus strand (G>T on the coding strand, the complement: COL11A2 is on the minus strand). VCF-style: chr6-33180720-C-A. GRCh37 (hg19) VCF-style: chr6-33148497-C-A.
Other names: c.1052G>T, p.Gly351Val (NM_001424108.1); c.386G>T, p.Gly129Val (NM_001424109.1); c.206G>T, p.Gly69Val (NM_001424110.1, NM_001424111.1); c.911G>T, p.Gly304Val (NM_080679.3); c.974G>T, p.Gly325Val (NM_080681.3); short protein forms G129V, G304V, G325V, G351V, G411V, G69V.
Identifiers: ClinVar variation 4532576 (VCV004532576.2).